The following is an entry in ClinVar:

NM_000492.4(CFTR):c.3874A>T (p.Lys1292Ter)

Gene: CFTR (CF transmembrane conductance regulator; plus strand). Cytogenetic location: 7q31.2.
Variant type: single nucleotide variant.
Coding change: c.3874A>T on transcript NM_000492.4 (MANE Select); coding-DNA position 3874, A replaced by T.
Protein change: p.Lys1292Ter; replaces lysine 1292 with a stop codon.
Molecular consequence: nonsense.
Genome position (GRCh38, 1-based): chr7:117,652,842, A>T. VCF-style: chr7-117652842-A-T. GRCh37 (hg19) VCF-style: chr7-117292896-A-T.
Other names: short protein forms K1292*.
Identifiers: ClinVar variation 5007147 (VCV005007147.2).

ClinVar aggregate classification (germline): Likely pathogenic (1 of 4 stars; one submission).

Conditions:
Congenital bilateral aplasia of vas deferens from CFTR mutation (CBAVD). Identifiers: Orphanet 48, MedGen C0403814, MONDO:0010178, OMIM 277180. Disease mechanism: loss of function.
Cystic fibrosis (CF). Also called: MUCOVISCIDOSIS. Identifiers: Orphanet 586, MedGen C0010674, MONDO:0009061, OMIM 219700. Disease mechanism: loss of function.

Submission:

Juno Genomics, Hangzhou Juno Genomics, Inc
Classification: Likely pathogenic for Congenital bilateral aplasia of vas deferens from CFTR mutation; Cystic fibrosis. Review status: criteria provided, single submitter. Criteria: ACMG Guidelines, 2015. Collection method: clinical testing. Allele origin: germline.
Comment: Null variant in a gene where loss of function (LOF) is a known mechanism of disease.;Absent from controls (or at extremely low frequency if recessive) in Genome Aggregation Database.